The following is an entry in ClinVar:

ClinVar aggregate classification (germline): Pathogenic (1 of 4 stars; one submission).

Submission:

Labcorp Genetics (formerly Invitae), Labcorp
Classification: Pathogenic. Last evaluated: 2022-06-10. Review status: criteria provided, single submitter. Criteria: Invitae Variant Classification Sherloc (09022015). Collection method: clinical testing. Allele origin: germline.
Comment: This variant is not present in population databases (gnomAD no frequency). For these reasons, this variant has been classified as Pathogenic. Algorithms developed to predict the effect of sequence changes on RNA splicing suggest that this variant may disrupt the consensus splice site. This variant has not been reported in the literature in individuals affected with USH2A-related conditions. This sequence change creates a premature translational stop signal (p.Thr1053Leufs*59) in the USH2A gene. It is expected to result in an absent or disrupted protein product. Loss-of-function variants in USH2A are known to be pathogenic (PMID: 10729113, 10909849, 20507924, 25649381).

Literature cited by the submitters: PubMed 10729113; PubMed 10909849; PubMed 20507924; PubMed 25649381.

NM_206933.4(USH2A):c.3157del (p.Thr1053fs)

Genes: USH2A (usherin; minus strand), USH2A-AS1 (USH2A antisense RNA 1; plus strand). Cytogenetic location: 1q41.
Variant type: Deletion.
Coding change: c.3157del on transcript NM_206933.4 (MANE Select); coding-DNA position 3157, one base deleted (A; older notation c.3157delA).
Protein change: p.Thr1053fs; shifts the reading frame from threonine 1053.
Molecular consequence: frameshift variant.
Genome position (GRCh38, 1-based): chr1:216,217,387, T deleted on the plus strand (A on the coding strand, the reverse complement: USH2A is on the minus strand); the first of 4 consecutive T bases (chr1:216,217,387-216,217,390); deleting any one gives the same sequence. VCF-style (leftmost placement, unchanged base first): chr1-216217386-CT-C. GRCh37 (hg19) VCF-style: chr1-216390728-CT-C.
Other names: c.3157del, p.Thr1053fs (NM_007123.6); short protein forms T1053fs.
Identifiers: ClinVar variation 2004257 (VCV002004257.4), dbSNP rs2528087323, ClinGen allele CA2580062141.